The following is an entry in ClinVar:

ClinVar aggregate classification (germline): Pathogenic/Likely pathogenic. Review status: criteria provided, multiple submitters, no conflicts (2 of 4 stars). 3 submissions from 3 submitters: Pathogenic (2); Likely pathogenic (1). Last evaluated 2025-12-08.

Conditions:
Hereditary cancer-predisposing syndrome. Also called: Tumor predisposition; Hereditary neoplastic syndrome; Neoplastic Syndromes, Hereditary; Hereditary Cancer Syndrome. Identifiers: Orphanet 140162, MedGen C0027672, MeSH D009386, MONDO:0015356.
Hereditary diffuse gastric adenocarcinoma (HDGC). Also called: DIFFUSE GASTRIC AND LOBULAR BREAST CANCER SYNDROME. Identifiers: Orphanet 26106, MedGen C1708349, MONDO:0007648, OMIM 137215.

Submissions (3):

Ambry Genetics
Classification: Pathogenic for Hereditary cancer-predisposing syndrome. Last evaluated: 2025-12-08. Review status: criteria provided, single submitter. Criteria: Ambry Variant Classification Scheme 2023. Collection method: clinical testing. Allele origin: germline.
Comment: The p.M1? pathogenic mutation (also known as c.1A>T) is located in coding exon 1 of the CDH1 gene and results from a A to T substitution at nucleotide position 1. This alters the methionine residue at the initiation codon (ATG). Although this exact mutation has not been reported in the literature, other initiation codon alterations (c.2T>C and c.3G>A) have been reported in multiple individuals with diffuse gastric cancer and/or lobular breast cancer (Guilford P et al. Gastric Cancer 2010 Mar;13(1):1-10; Pandalai PK et al. Surgery, 2011 Mar;149:347-55; Hansford S et al. JAMA Oncol 2015 Apr;1(1):23-32;Jalkh N et al. BMC Med Genomics, 2017 Feb;10:8; Ambry internal data). This variant is considered to be rare based on population cohorts in the Genome Aggregation Database (gnomAD). In addition to the clinical data presented in the literature, sequence variations that modify the initiation codon are expected to result in either loss of translation initiation, N-terminal truncation, or cause a shift in the mRNA reading frame. Based on the supporting evidence, this variant is interpreted as a disease-causing mutation.

Myriad Genetics, Inc.
Classification: Likely pathogenic for Hereditary diffuse gastric adenocarcinoma. Last evaluated: 2024-11-08. Review status: criteria provided, single submitter. Criteria: Myriad Autosomal Dominant, Autosomal Recessive and X-Linked Classification Criteria (2023). Collection method: clinical testing. Allele origin: unknown.
Comment: This variant is considered likely pathogenic. This variant is located within the gene translation start codon (p.Met1?) and is predicted to result in abnormal protein translation.

Labcorp Genetics (formerly Invitae), Labcorp
Classification: Pathogenic for Hereditary diffuse gastric adenocarcinoma. Last evaluated: 2023-05-24. Review status: criteria provided, single submitter. Criteria: Invitae Variant Classification Sherloc (09022015). Collection method: clinical testing. Allele origin: germline.
Comment: For these reasons, this variant has been classified as Pathogenic. ClinVar contains an entry for this variant (Variation ID: 2035285). Disruption of the initiator codon has been observed in individuals with a personal or family history of diffuse gastric cancer and/or lobular breast cancer (PMID: 16061854, 20373070, 28202063; Invitae). It has also been observed to segregate with disease in related individuals. This variant is not present in population databases (gnomAD no frequency). This sequence change affects the initiator methionine of the CDH1 mRNA. The next in-frame methionine is located at codon 246.

Literature cited by the submitters: PubMed 20373070 (cited by Ambry Genetics and Labcorp Genetics (formerly Invitae), Labcorp); PubMed 20719348 (cited by Ambry Genetics); PubMed 26182300 (cited by Ambry Genetics); PubMed 28202063 (cited by Ambry Genetics and Labcorp Genetics (formerly Invitae), Labcorp); PubMed 16061854 (cited by Labcorp Genetics (formerly Invitae), Labcorp).

NM_004360.5(CDH1):c.1A>T (p.Met1Leu)

Gene: CDH1 (cadherin 1; plus strand). Cytogenetic location: 16q22.1.
Variant type: single nucleotide variant.
Coding change: c.1A>T on transcript NM_004360.5 (MANE Select); coding-DNA position 1, A replaced by T.
Protein change: p.Met1Leu; changes the start codon (methionine 1).
Molecular consequence: missense variant, initiator codon variant. On other transcripts: 5 prime UTR variant (2).
Genome position (GRCh38, 1-based): chr16:68,737,416, A>T. VCF-style: chr16-68737416-A-T. GRCh37 (hg19) VCF-style: chr16-68771319-A-T.
Other names: c.1A>T, p.Met1Leu (NM_001317184.2); c.-1615A>T (NM_001317185.2); c.-1819A>T (NM_001317186.2); short protein forms M1L.
Identifiers: ClinVar variation 2035285 (VCV002035285.7), dbSNP rs1555509622, ClinGen allele CA396451179.